The following is an entry in ClinVar:

NM_004006.3(DMD):c.777del (p.Lys259_Val260insTer)

Gene: DMD (dystrophin; minus strand). Cytogenetic location: Xp21.1.
Variant type: Deletion.
Coding change: c.777del on transcript NM_004006.3 (MANE Select); coding-DNA position 777, one base deleted (A; older notation c.777delA).
Protein change: p.Lys259_Val260insTer.
Molecular consequence: frameshift variant. On other transcripts: nonsense (1).
Genome position (GRCh38, 1-based): chrX:32,699,166, T deleted on the plus strand (A on the coding strand, the reverse complement: DMD is on the minus strand); the first of 3 consecutive T bases (chrX:32,699,166-32,699,168); deleting any one gives the same sequence. VCF-style (leftmost placement, unchanged base first): chrX-32699165-CT-C. GRCh37 (hg19) VCF-style: chrX-32717282-CT-C.
Other names: c.753del, p.Lys251_Val252insTer (NM_000109.4); c.765del, p.Lys255_Val256insTer (NM_004009.3); c.408del, p.Lys136_Val137insTer (NM_004010.3); c.777delA (NM_004006.2).
Identifiers: ClinVar variation 1760590 (VCV001760590.2), dbSNP rs1569469138, ClinGen allele CA2579647791.

ClinVar aggregate classification (germline): Pathogenic (1 of 4 stars; one submission).

Conditions:
Cardiovascular phenotype. Identifiers: MedGen CN230736.

Submission:

Ambry Genetics
Classification: Pathogenic for Cardiovascular phenotype. Last evaluated: 2021-06-22. Review status: criteria provided, single submitter. Criteria: Ambry Variant Classification Scheme 2023. Collection method: clinical testing. Allele origin: germline.
Comment: The c.777delA pathogenic mutation, located in coding exon 8 of the DMD gene, results from a deletion of one nucleotide at nucleotide position 777, causing a translational frameshift with a predicted alternate stop codon (p.V260*). This alteration, also referred to as c.983delA, has been reported in a muscular dystrophy cohort (Prior TW et al. Am J Hum Genet, 1995 Jul;57:22-33). In addition to the clinical data presented in the literature, this alteration is expected to result in loss of function by premature protein truncation or nonsense-mediated mRNA decay. As such, this alteration is interpreted as a disease-causing mutation.

Literature cited by the submitters: PubMed 7611292.